The following is an entry in ClinVar:

NM_000535.7(PMS2):c.753G>A (p.Val251=)

Gene: PMS2 (PMS1 homolog 2, mismatch repair system component; minus strand). Cytogenetic location: 7p22.1.
Variant type: single nucleotide variant.
Coding change: c.753G>A on transcript NM_000535.7 (MANE Select); coding-DNA position 753, G replaced by A.
Protein change: p.Val251=; no amino-acid change (valine 251 retained).
Molecular consequence: synonymous variant. On other transcripts: 5 prime UTR variant (2), non-coding transcript variant (1).
Genome position (GRCh38, 1-based): chr7:5,997,376, C>T on the plus strand (G>A on the coding strand, the complement: PMS2 is on the minus strand). VCF-style: chr7-5997376-C-T. GRCh37 (hg19) VCF-style: chr7-6037007-C-T.
Other names: c.348G>A, p.Val116= (NM_001322003.2, NM_001322004.2, NM_001322005.2 and 2 more transcripts); c.753G>A, p.Val251= (NM_001322006.2, NM_001322014.2); c.435G>A, p.Val145= (NM_001322007.2, NM_001322008.2); c.-181G>A (NM_001322011.2, NM_001322012.2); c.180G>A, p.Val60= (NM_001322013.2); c.444G>A, p.Val148= (NM_001322015.2).
Identifiers: ClinVar variation 388163 (VCV000388163.15), dbSNP rs762836049, ClinGen allele CA051525.

ClinVar aggregate classification (germline): Benign/Likely benign. Review status: criteria provided, multiple submitters, no conflicts (2 of 4 stars). 5 submissions from 5 submitters: Benign (1); Likely benign (4). Last evaluated 2025-08-30.

Conditions:
Hereditary nonpolyposis colorectal neoplasms. Identifiers: MedGen C0009405, MeSH D003123.
Hereditary cancer-predisposing syndrome. Also called: Hereditary Cancer Syndrome; Hereditary neoplastic syndrome; Neoplastic Syndromes, Hereditary; Tumor predisposition. Identifiers: Orphanet 140162, MedGen C0027672, MeSH D009386, MONDO:0015356.
Lynch syndrome 4 (LYNCH4). Also called: Hereditary non-polyposis colorectal cancer, type 4; Colorectal cancer, hereditary nonpolyposis, type 4. Identifiers: Orphanet 144, MedGen C1838333, MONDO:0013699, OMIM 614337. Disease mechanism: loss of function.

Allele frequency attached by ClinVar (database versions not stated): gnomAD exomes below 0.00001; ExAC 0.00001.
gnomAD v4.1: 3 of 1,606,732 alleles (0.00019%); highest among the groups gnomAD compares: South Asian, 0.0011%; no homozygotes.

Submissions (5):

Color Diagnostics, LLC DBA Color Health
Classification: Likely benign for Hereditary cancer-predisposing syndrome. Last evaluated: 2025-08-30. Review status: criteria provided, single submitter. Criteria: ACMG Guidelines, 2015. Collection method: clinical testing. Allele origin: germline.

Myriad Genetics, Inc.
Classification: Benign for Lynch syndrome 4. Last evaluated: 2025-01-28. Review status: criteria provided, single submitter. Criteria: Myriad Autosomal Dominant, Autosomal Recessive and X-Linked Classification Criteria (2023). Collection method: clinical testing. Allele origin: unknown.
Comment: This variant is considered benign. This variant is a silent/synonymous amino acid change and it is not expected to impact splicing.

Labcorp Genetics (formerly Invitae), Labcorp
Classification: Likely benign for Hereditary nonpolyposis colorectal neoplasms. Last evaluated: 2023-11-27. Review status: criteria provided, single submitter. Criteria: Invitae Variant Classification Sherloc (09022015). Collection method: clinical testing. Allele origin: germline.

Ambry Genetics
Classification: Likely benign for Hereditary cancer-predisposing syndrome. Last evaluated: 2022-08-09. Review status: criteria provided, single submitter. Criteria: Ambry Variant Classification Scheme 2023. Collection method: clinical testing. Allele origin: germline.

GeneDx
Classification: Likely benign. Last evaluated: 2016-07-25. Review status: criteria provided, single submitter. Criteria: GeneDx Variant Classification (06012015). Collection method: clinical testing. Allele origin: germline. Affected: yes.
Comment: This variant is considered likely benign or benign based on one or more of the following criteria: it is a conservative change, it occurs at a poorly conserved position in the protein, it is predicted to be benign by multiple in silico algorithms, and/or has population frequency not consistent with disease.